The following is an entry in ClinVar:

NM_152618.3(BBS12):c.317G>A (p.Gly106Asp)

Gene: BBS12 (Bardet-Biedl syndrome 12; plus strand). Cytogenetic location: 4q27.
Variant type: single nucleotide variant.
Coding change: c.317G>A on transcript NM_152618.3 (MANE Select); coding-DNA position 317, G replaced by A.
Protein change: p.Gly106Asp; replaces glycine 106 with aspartic acid.
Molecular consequence: missense variant.
Genome position (GRCh38, 1-based): chr4:122,742,209, G>A. VCF-style: chr4-122742209-G-A. GRCh37 (hg19) VCF-style: chr4-123663364-G-A.
Other names: c.317G>A, p.Gly106Asp (NM_001178007.2); short protein forms G106D.
Identifiers: ClinVar variation 5001835 (VCV005001835.1).

ClinVar aggregate classification (germline): Uncertain significance (1 of 4 stars; one submission).

Conditions:
BBS12-related disorder. Also called: BBS12-related condition.

Submission:

PreventionGenetics, part of Exact Sciences
Classification: Uncertain significance for BBS12-related condition. Last evaluated: 2025-04-25. Review status: criteria provided, single submitter. Criteria: ACMG Guidelines, 2015. Collection method: clinical testing. Allele origin: germline.
Comment: The BBS12 c.317G>A variant is predicted to result in the amino acid substitution p.Gly106Asp. To our knowledge, this variant has not been reported in the literature or in a large population database (gnomAD), indicating this variant is rare. At this time, the clinical significance of this variant is uncertain due to the absence of conclusive functional and genetic evidence.